The following is an entry in ClinVar:

NM_004656.4(BAP1):c.821A>T (p.His274Leu)

Gene: BAP1 (BRCA1 associated deubiquitinase 1; minus strand). Cytogenetic location: 3p21.1.
Variant type: single nucleotide variant.
Coding change: c.821A>T on transcript NM_004656.4 (MANE Select); coding-DNA position 821, A replaced by T.
Protein change: p.His274Leu; replaces histidine 274 with leucine.
Molecular consequence: missense variant.
Genome position (GRCh38, 1-based): chr3:52,405,875, T>A on the plus strand (A>T on the coding strand, the complement: BAP1 is on the minus strand). VCF-style: chr3-52405875-T-A. GRCh37 (hg19) VCF-style: chr3-52439891-T-A.
Other names: short protein forms H274L.
Identifiers: ClinVar variation 1345186 (VCV001345186.8), dbSNP rs565400314, ClinGen allele CA353106863.

ClinVar aggregate classification (germline): Uncertain significance (1 of 4 stars; one submission).

Conditions:
BAP1-related tumor predisposition syndrome (TPDS1). Also called: Tumor susceptibility linked to germline BAP1 mutations; TUMOR PREDISPOSITION SYNDROME 1; COMMON Syndrome; BAP1 tumor predisposition syndrome. Identifiers: Orphanet 289539, MedGen C3280492, MONDO:0013692, OMIM 614327.

Submission:

Labcorp Genetics (formerly Invitae), Labcorp
Classification: Uncertain significance for BAP1-related tumor predisposition syndrome. Last evaluated: 2021-04-14. Review status: criteria provided, single submitter. Criteria: Invitae Variant Classification Sherloc (09022015). Collection method: clinical testing. Allele origin: germline.
Comment: This sequence change replaces histidine with leucine at codon 274 of the BAP1 protein (p.His274Leu). The histidine residue is moderately conserved and there is a moderate physicochemical difference between histidine and leucine. This variant is not present in population databases (ExAC no frequency). This variant has not been reported in the literature in individuals with BAP1-related conditions. Algorithms developed to predict the effect of missense changes on protein structure and function (SIFT, PolyPhen-2, Align-GVGD) all suggest that this variant is likely to be tolerated, but these predictions have not been confirmed by published functional studies and their clinical significance is uncertain. In summary, the available evidence is currently insufficient to determine the role of this variant in disease. Therefore, it has been classified as a Variant of Uncertain Significance.